The following is an entry in ClinVar:

NM_001195263.2(PDZD7):c.2746G>A (p.Gly916Arg)

Gene: PDZD7 (PDZ domain containing 7; minus strand). Cytogenetic location: 10q24.31.
Variant type: single nucleotide variant.
Coding change: c.2746G>A on transcript NM_001195263.2 (MANE Select); coding-DNA position 2746, G replaced by A.
Protein change: p.Gly916Arg; replaces glycine 916 with arginine.
Molecular consequence: missense variant.
Genome position (GRCh38, 1-based): chr10:101,008,823, C>T on the plus strand (G>A on the coding strand, the complement: PDZD7 is on the minus strand). VCF-style: chr10-101008823-C-T. GRCh37 (hg19) VCF-style: chr10-102768580-C-T.
Other names: short protein forms G916R.
Identifiers: ClinVar variation 999495 (VCV000999495.8), dbSNP rs1052443941, ClinGen allele CA212977403.

ClinVar aggregate classification (germline): Uncertain significance. Review status: criteria provided, multiple submitters, no conflicts (2 of 4 stars). 2 submissions from 2 submitters: Uncertain significance (2). Last evaluated 2024-08-10.

Allele frequency attached by ClinVar (database versions not stated): TOPMed 0.00002; gnomAD 0.00003; gnomAD exomes 0.00005.
gnomAD v4.1: 53 of 1,512,000 alleles (0.0035%); highest among the groups gnomAD compares: South Asian, 0.011%; no homozygotes.

Submissions (2):

Labcorp Genetics (formerly Invitae), Labcorp
Classification: Uncertain significance. Last evaluated: 2024-08-10. Review status: criteria provided, single submitter. Criteria: Invitae Variant Classification Sherloc (09022015). Collection method: clinical testing. Allele origin: germline.
Comment: This sequence change replaces glycine, which is neutral and non-polar, with arginine, which is basic and polar, at codon 916 of the PDZD7 protein (p.Gly916Arg). This variant is present in population databases (no rsID available, gnomAD 0.009%). This variant has not been reported in the literature in individuals affected with PDZD7-related conditions. ClinVar contains an entry for this variant (Variation ID: 999495). Experimental studies and prediction algorithms are not available or were not evaluated, and the functional significance of this variant is currently unknown. In summary, the available evidence is currently insufficient to determine the role of this variant in disease. Therefore, it has been classified as a Variant of Uncertain Significance.

Blueprint Genetics
Classification: Uncertain significance. Last evaluated: 2021-10-11. Review status: criteria provided, single submitter. Criteria: ACMG Guidelines, 2015. Collection method: clinical testing. Allele origin: germline.